The following is an entry in ClinVar:

NM_000057.4(BLM):c.2686C>G (p.Leu896Val)

Gene: BLM (BLM RecQ like helicase; plus strand). Cytogenetic location: 15q26.1.
Variant type: single nucleotide variant.
Coding change: c.2686C>G on transcript NM_000057.4 (MANE Select); coding-DNA position 2686, C replaced by G.
Protein change: p.Leu896Val; replaces leucine 896 with valine.
Molecular consequence: missense variant.
Genome position (GRCh38, 1-based): chr15:90,784,944, C>G. VCF-style: chr15-90784944-C-G. GRCh37 (hg19) VCF-style: chr15-91328174-C-G.
Other names: c.2686C>G, p.Leu896Val (NM_001287246.2, NM_001287247.2); c.1561C>G, p.Leu521Val (NM_001287248.2); c.2686C>G (NM_000057.2); short protein forms L521V, L896V.
Identifiers: ClinVar variation 1466010 (VCV001466010.10), dbSNP rs151309611, ClinGen allele CA393845895.

ClinVar aggregate classification (germline): Uncertain significance. Review status: criteria provided, multiple submitters, no conflicts (2 of 4 stars). 2 submissions from 2 submitters: Uncertain significance (2). Last evaluated 2024-04-10.

Conditions:
Bloom syndrome (BLM). Also called: Bloom-Torre-Machacek syndrome. Identifiers: Orphanet 125, MedGen C0005859, MONDO:0008876, OMIM 210900.
Hereditary cancer-predisposing syndrome. Also called: Tumor predisposition; Hereditary neoplastic syndrome; Hereditary Cancer Syndrome; Neoplastic Syndromes, Hereditary. Identifiers: Orphanet 140162, MedGen C0027672, MeSH D009386, MONDO:0015356.

Allele frequency attached by ClinVar (database versions not stated): gnomAD exomes below 0.00001.

Submissions (2):

Labcorp Genetics (formerly Invitae), Labcorp
Classification: Uncertain significance for Bloom syndrome. Last evaluated: 2024-04-10. Review status: criteria provided, single submitter. Criteria: Invitae Variant Classification Sherloc (09022015). Collection method: clinical testing. Allele origin: germline.
Comment: This sequence change replaces leucine, which is neutral and non-polar, with valine, which is neutral and non-polar, at codon 896 of the BLM protein (p.Leu896Val). This variant is present in population databases (no rsID available, gnomAD 0.003%). This variant has not been reported in the literature in individuals affected with BLM-related conditions. ClinVar contains an entry for this variant (Variation ID: 1466010). Advanced modeling of protein sequence and biophysical properties (such as structural, functional, and spatial information, amino acid conservation, physicochemical variation, residue mobility, and thermodynamic stability) performed at Invitae indicates that this missense variant is expected to disrupt BLM protein function with a positive predictive value of 80%. In summary, the available evidence is currently insufficient to determine the role of this variant in disease. Therefore, it has been classified as a Variant of Uncertain Significance.

Ambry Genetics
Classification: Uncertain significance for Hereditary cancer-predisposing syndrome. Last evaluated: 2023-07-25. Review status: criteria provided, single submitter. Criteria: Ambry Variant Classification Scheme 2023. Collection method: clinical testing. Allele origin: germline.
Comment: The p.L896V variant (also known as c.2686C>G), located in coding exon 13 of the BLM gene, results from a C to G substitution at nucleotide position 2686. The leucine at codon 896 is replaced by valine, an amino acid with highly similar properties. This amino acid position is highly conserved in available vertebrate species. In addition, this alteration is predicted to be deleterious by in silico analysis. Since supporting evidence is limited at this time, the clinical significance of this alteration remains unclear.